The following is an entry in ClinVar:

ClinVar aggregate classification (germline): Likely benign (1 of 4 stars; one submission).

Conditions:
Progressive sclerosing poliodystrophy (MTDPS4A). Also called: Alpers-Huttenlocher Syndrome (AHS); Alpers Syndrome; ALPERS PROGRESSIVE INFANTILE POLIODYSTROPHY; Mitochondrial DNA depletion syndrome 4A (Alpers type); ALPERS DIFFUSE DEGENERATION OF CEREBRAL GRAY MATTER WITH HEPATIC CIRRHOSIS; Alpers-Huttenlocher Syndrome. Identifiers: Orphanet 726, MedGen C0205710, MONDO:0008758, OMIM 203700.

Allele frequency attached by ClinVar (database versions not stated): TOPMed 0.00003; gnomAD exomes 0.00021 and 0.00043; ESP Exome Variant Server 0.00023; 1000 Genomes Project 30x 0.00031; ExAC 0.00034; 1000 Genomes Project 0.00040; gnomAD 0.00049.
gnomAD v4.1: 371 of 1,614,142 alleles (0.023%); highest among the groups gnomAD compares: Non-Finnish European, 0.0033%; 2 homozygotes.

Submission:

Wong Mito Lab, Molecular and Human Genetics, Baylor College of Medicine
Classification: Likely benign for Progressive sclerosing poliodystrophy. Last evaluated: 2018-10-01. Review status: criteria provided, single submitter. Criteria: ACMG Guidelines, 2015. Collection method: clinical testing. Allele origin: germline.
Comment: The NM_002693.2:c.3105-22C>T (NP_002684.1:p.=) [GRCH38: NC_000015.10:g.89319121G>A] variant in POLG gene is interpretated to be a Likely Benign based on ACMG guidelines (PMID: 25741868). This variant meets the following evidence codes reported in the ACMG-guideline. BP4:Computational evidence/predictors indicate no impact on the POLG structure, function, or protein-protein interaction. BP6:Reputable source(s) without shared data suggest the variant is benign. Based on the evidence criteria codes applied, the variant is suggested to be Likely Benign.

NM_002693.3(POLG):c.3105-22C>T

Gene: POLG (DNA polymerase gamma, catalytic subunit; minus strand). Cytogenetic location: 15q26.1.
Variant type: single nucleotide variant.
Coding change: c.3105-22C>T on transcript NM_002693.3 (MANE Select); 22 bases into the intron before coding-DNA position 3105, C replaced by T.
Molecular consequence: intron variant.
Genome position (GRCh38, 1-based): chr15:89,319,121, G>A on the plus strand (C>T on the coding strand, the complement: POLG is on the minus strand). VCF-style: chr15-89319121-G-A. GRCh37 (hg19) VCF-style: chr15-89862352-G-A.
Other names: c.3105-22C>T (NM_001126131.2).
Identifiers: ClinVar variation 619480 (VCV000619480.1), dbSNP rs199809987, ClinGen allele CA7724236.
Genomic context (GRCh38, chr15:89,319,121, plus strand): 5'-GCCCGTTCAGCAACCACCTCCCACTTCTTCCACTGTGACCTAAGGGACCAGAAACAGAGG[G>A]CAGACTTTGTCTTTCAGCATCTCAAAGCTAAAAAACAAAGCATCCAAGCTCTTCTGGGGC-3'